The following is an entry in ClinVar:

NM_138715.3(MSR1):c.357C>T (p.Ser119=)

Gene: MSR1 (macrophage scavenger receptor 1; minus strand). Cytogenetic location: 8p22.
Variant type: single nucleotide variant.
Coding change: c.357C>T on transcript NM_138715.3 (MANE Select); coding-DNA position 357, C replaced by T.
Protein change: p.Ser119=; no amino-acid change (serine 119 retained).
Molecular consequence: synonymous variant.
Genome position (GRCh38, 1-based): chr8:16,168,731, G>A on the plus strand (C>T on the coding strand, the complement: MSR1 is on the minus strand). VCF-style: chr8-16168731-G-A. GRCh37 (hg19) VCF-style: chr8-16026240-G-A.
Other names: c.411C>T, p.Ser137= (NM_001363744.1); c.357C>T, p.Ser119= (NM_002445.4, NM_138716.3).
Identifiers: ClinVar variation 2658442 (VCV002658442.24), dbSNP rs202186703, ClinGen allele CA4641317.

ClinVar aggregate classification (germline): Likely benign (1 of 4 stars; one submission).

Allele frequency attached by ClinVar (database versions not stated): ESP Exome Variant Server 0.00023; TOPMed 0.00033; gnomAD 0.00039; gnomAD exomes 0.00051; ExAC 0.00056.
gnomAD v4.1: 790 of 1,613,978 alleles (0.049%); highest among the groups gnomAD compares: Admixed American, 0.065%; no homozygotes.

Submission:

CeGaT Center for Human Genetics Tuebingen
Classification: Likely benign. Last evaluated: 2022-12-01. Review status: criteria provided, single submitter. Criteria: CeGaT Center For Human Genetics Tuebingen Variant Classification Criteria Version 2. Collection method: clinical testing. Allele origin: germline. Affected: yes. Observed: 1 variant allele.
Comment: MSR1: BP4, BP7, BS1